The following is an entry in ClinVar:

ClinVar aggregate classification (germline): Uncertain significance. Review status: criteria provided, multiple submitters, no conflicts (2 of 4 stars). 2 submissions from 2 submitters: Uncertain significance (2). Last evaluated 2025-12-11.

Conditions:
Hereditary cancer-predisposing syndrome. Also called: Neoplastic Syndromes, Hereditary; Hereditary Cancer Syndrome; Tumor predisposition; Hereditary neoplastic syndrome. Identifiers: Orphanet 140162, MedGen C0027672, MeSH D009386, MONDO:0015356.
Familial adenomatous polyposis 1 (FAP1). Also called: FAMILIAL ADENOMATOUS POLYPOSIS 1, ATTENUATED; POLYPOSIS, ADENOMATOUS INTESTINAL. Identifiers: MedGen C2713442, MONDO:0021056, OMIM 175100. Disease mechanism: loss of function.

gnomAD v4.1: 5 of 1,613,112 alleles (0.00031%); highest among the groups gnomAD compares: Non-Finnish European, 0.00034%; no homozygotes.

Submissions (2):

Ambry Genetics
Classification: Uncertain significance for Hereditary cancer-predisposing syndrome. Last evaluated: 2025-12-11. Review status: criteria provided, single submitter. Criteria: Ambry Variant Classification Scheme 2023. Collection method: clinical testing. Allele origin: germline.
Comment: The p.E460G variant (also known as c.1379A>G), located in coding exon 10 of the APC gene, results from an A to G substitution at nucleotide position 1379. The glutamic acid at codon 460 is replaced by glycine, an amino acid with similar properties. This amino acid position is conserved. In addition, in silico predictors for this gene do not accurately predict pathogenicity. Missense alterations in APC are not a common cause of disease (Spier I et al. Genet Med. 2024 Feb;26(2):100992). Based on the available evidence, the clinical significance of this variant remains unclear.

Labcorp Genetics (formerly Invitae), Labcorp
Classification: Uncertain significance for Familial adenomatous polyposis 1. Last evaluated: 2024-08-01. Review status: criteria provided, single submitter. Criteria: Invitae Variant Classification Sherloc (09022015). Collection method: clinical testing. Allele origin: germline.
Comment: This sequence change replaces glutamic acid, which is acidic and polar, with glycine, which is neutral and non-polar, at codon 460 of the APC protein (p.Glu460Gly). This variant is not present in population databases (gnomAD no frequency). This variant has not been reported in the literature in individuals affected with APC-related conditions. ClinVar contains an entry for this variant (Variation ID: 1474150). Advanced modeling of protein sequence and biophysical properties (such as structural, functional, and spatial information, amino acid conservation, physicochemical variation, residue mobility, and thermodynamic stability) performed at Invitae indicates that this missense variant is not expected to disrupt APC protein function with a negative predictive value of 95%. In summary, the available evidence is currently insufficient to determine the role of this variant in disease. Therefore, it has been classified as a Variant of Uncertain Significance.

NM_000038.6(APC):c.1379A>G (p.Glu460Gly)

Gene: APC (APC regulator of Wnt signaling pathway; plus strand). Cytogenetic location: 5q22.2.
Variant type: single nucleotide variant.
Coding change: c.1379A>G on transcript NM_000038.6 (MANE Select); coding-DNA position 1379, A replaced by G.
Protein change: p.Glu460Gly; replaces glutamic acid 460 with glycine.
Molecular consequence: missense variant.
Genome position (GRCh38, 1-based): chr5:112,821,962, A>G. VCF-style: chr5-112821962-A-G. GRCh37 (hg19) VCF-style: chr5-112157659-A-G.
Other names: c.1379A>G, p.Glu460Gly (NM_001127510.3, NM_001354895.2, NM_001354896.2); c.1325A>G, p.Glu442Gly (NM_001127511.3); c.1409A>G, p.Glu470Gly (NM_001354897.2); c.1304A>G, p.Glu435Gly (NM_001354898.2); c.1295A>G, p.Glu432Gly (NM_001354899.2); c.1202A>G, p.Glu401Gly (NM_001354900.2, NM_001354901.2); c.1106A>G, p.Glu369Gly (NM_001354902.2); c.1076A>G, p.Glu359Gly (NM_001354903.2); and 3 more; short protein forms E369G, E460G, E300G, E432G, E334G, E442G, E177G, E359G.
Identifiers: ClinVar variation 1474150 (VCV001474150.9), dbSNP rs2149792516, ClinGen allele CA16024325.